The following is an entry in ClinVar:

NM_001385641.1(SAMD11):c.2105A>T (p.Asp702Val)

Genes: SAMD11 (sterile alpha motif domain containing 11; plus strand), LOC129929063 (ATAC-STARR-seq lymphoblastoid active region 4; plus strand). Cytogenetic location: 1p36.33.
Variant type: single nucleotide variant.
Coding change: c.2105A>T on transcript NM_001385641.1 (MANE Select); coding-DNA position 2105, A replaced by T.
Protein change: p.Asp702Val; replaces aspartic acid 702 with valine.
Molecular consequence: missense variant.
Genome position (GRCh38, 1-based): chr1:943,304, A>T. VCF-style: chr1-943304-A-T. GRCh37 (hg19) VCF-style: chr1-878684-A-T.
Other names: c.2108A>T, p.Asp703Val (NM_001385640.1); c.1616A>T, p.Asp539Val (NM_152486.4); short protein forms D539V, D703V, D702V.
Identifiers: ClinVar variation 2122693 (VCV002122693.3), dbSNP rs758278177, ClinGen allele CA503148.

ClinVar aggregate classification (germline): Uncertain significance (1 of 4 stars; one submission).

gnomAD v4.1: 2 of 1,612,378 alleles (0.00012%); highest among the groups gnomAD compares: Admixed American, 0.0033%; no homozygotes.

Submission:

Labcorp Genetics (formerly Invitae), Labcorp
Classification: Uncertain significance. Last evaluated: 2022-08-06. Review status: criteria provided, single submitter. Criteria: Invitae Variant Classification Sherloc (09022015). Collection method: clinical testing. Allele origin: germline.
Comment: This sequence change replaces aspartic acid, which is acidic and polar, with valine, which is neutral and non-polar, at codon 539 of the SAMD11 protein (p.Asp539Val). This variant is present in population databases (rs758278177, gnomAD 0.006%). This variant has not been reported in the literature in individuals affected with SAMD11-related conditions. Algorithms developed to predict the effect of missense changes on protein structure and function are either unavailable or do not agree on the potential impact of this missense change (SIFT: "Deleterious"; PolyPhen-2: "Probably Damaging"; Align-GVGD: "Class C15"). In summary, the available evidence is currently insufficient to determine the role of this variant in disease. Therefore, it has been classified as a Variant of Uncertain Significance.